The following is an entry in ClinVar:

NM_000289.6(PFKM):c.1826T>C (p.Val609Ala)

Gene: PFKM (phosphofructokinase, muscle; plus strand). Cytogenetic location: 12q13.11.
Variant type: single nucleotide variant.
Coding change: c.1826T>C on transcript NM_000289.6 (MANE Select); coding-DNA position 1826, T replaced by C.
Protein change: p.Val609Ala; replaces valine 609 with alanine.
Molecular consequence: missense variant. On other transcripts: non-coding transcript variant (6).
Genome position (GRCh38, 1-based): chr12:48,143,760, T>C. VCF-style: chr12-48143760-T-C. GRCh37 (hg19) VCF-style: chr12-48537543-T-C.
Other names: c.2039T>C, p.Val680Ala (NM_001166686.2, NM_001354737.1, NM_001354738.1 and 1 more transcripts); c.1826T>C, p.Val609Ala (NM_001166687.2, NM_001166688.2, NM_001354742.2 and 2 more transcripts); c.2135T>C, p.Val712Ala (NM_001354735.1, NM_001354736.1); c.1970T>C, p.Val657Ala (NM_001354740.1); c.1850T>C, p.Val617Ala (NM_001354741.2); c.1739T>C, p.Val580Ala (NM_001354745.2); c.1700T>C, p.Val567Ala (NM_001354746.2); c.1676T>C, p.Val559Ala (NM_001354747.2, NM_001354748.2); and 1 more; short protein forms V609A, V617A, V680A, V567A, V578A, V559A, V580A, V657A.
Identifiers: ClinVar variation 2123288 (VCV002123288.4), dbSNP rs2498638901, ClinGen allele CA384554700.

ClinVar aggregate classification (germline): Uncertain significance (1 of 4 stars; one submission).

Conditions:
Glycogen storage disease, type VII (GSD7). Also called: GSD VII; MUSCLE PHOSPHOFRUCTOKINASE DEFICIENCY; PFKM DEFICIENCY; TARUI DISEASE. Identifiers: Orphanet 371, MedGen C0017926, MONDO:0009295, OMIM 232800.

Submission:

Labcorp Genetics (formerly Invitae), Labcorp
Classification: Uncertain significance for Glycogen storage disease, type VII. Last evaluated: 2022-04-08. Review status: criteria provided, single submitter. Criteria: Invitae Variant Classification Sherloc (09022015). Collection method: clinical testing. Allele origin: germline.
Comment: Algorithms developed to predict the effect of missense changes on protein structure and function are either unavailable or do not agree on the potential impact of this missense change (SIFT: "Tolerated"; PolyPhen-2: "Probably Damaging"; Align-GVGD: "Class C0"). This variant has not been reported in the literature in individuals affected with PFKM-related conditions. This variant is not present in population databases (gnomAD no frequency). This sequence change replaces valine, which is neutral and non-polar, with alanine, which is neutral and non-polar, at codon 609 of the PFKM protein (p.Val609Ala). In summary, the available evidence is currently insufficient to determine the role of this variant in disease. Therefore, it has been classified as a Variant of Uncertain Significance.